The following is an entry in ClinVar:

ClinVar aggregate classification (germline): Uncertain significance. Review status: criteria provided, multiple submitters, no conflicts (2 of 4 stars). 3 submissions from 3 submitters: Uncertain significance (3). Last evaluated 2025-01-13.

Conditions:
Retinitis pigmentosa 86. Identifiers: MedGen C5231428, MONDO:0032834, OMIM 618613.

Allele frequency attached by ClinVar (database versions not stated): ExAC 0.00010; gnomAD exomes 0.00011; TOPMed 0.00012; gnomAD 0.00014.
gnomAD v4.1: 324 of 1,611,864 alleles (0.02%); highest among the groups gnomAD compares: Non-Finnish European, 0.026%; no homozygotes.

Submissions (3):

Labcorp Genetics (formerly Invitae), Labcorp
Classification: Uncertain significance. Last evaluated: 2025-01-13. Review status: criteria provided, single submitter. Criteria: Invitae Variant Classification Sherloc (09022015). Collection method: clinical testing. Allele origin: germline.
Comment: This sequence change replaces valine, which is neutral and non-polar, with glutamic acid, which is acidic and polar, at codon 1049 of the KIAA1549 protein (p.Val1049Glu). This variant is present in population databases (rs200468254, gnomAD 0.02%). This variant has not been reported in the literature in individuals affected with KIAA1549-related conditions. ClinVar contains an entry for this variant (Variation ID: 834277). An algorithm developed to predict the effect of missense changes on protein structure and function (PolyPhen-2) suggests that this variant is likely to be disruptive. In summary, the available evidence is currently insufficient to determine the role of this variant in disease. Therefore, it has been classified as a Variant of Uncertain Significance.

Blueprint Genetics
Classification: Uncertain significance. Last evaluated: 2024-10-09. Review status: criteria provided, single submitter. Criteria: ACMG Guidelines, 2015. Collection method: clinical testing. Allele origin: germline.

Fulgent Genetics
Classification: Uncertain significance for Retinitis pigmentosa 86. Last evaluated: 2022-01-24. Review status: criteria provided, single submitter. Criteria: ACMG Guidelines, 2015. Collection method: clinical testing. Allele origin: unknown.

NM_001164665.2(KIAA1549):c.3146T>A (p.Val1049Glu)

Gene: KIAA1549 (KIAA1549; minus strand). Cytogenetic location: 7q34.
Variant type: single nucleotide variant.
Coding change: c.3146T>A on transcript NM_001164665.2 (MANE Select); coding-DNA position 3146, T replaced by A.
Protein change: p.Val1049Glu; replaces valine 1049 with glutamic acid.
Molecular consequence: missense variant.
Genome position (GRCh38, 1-based): chr7:138,909,121, A>T on the plus strand (T>A on the coding strand, the complement: KIAA1549 is on the minus strand). VCF-style: chr7-138909121-A-T. GRCh37 (hg19) VCF-style: chr7-138593867-A-T.
Other names: c.3146T>A, p.Val1049Glu (NM_020910.3); short protein forms V1049E.
Identifiers: ClinVar variation 834277 (VCV000834277.8), dbSNP rs200468254, ClinGen allele CA4506303.